The following is an entry in ClinVar:

NM_001355436.2(SPTB):c.5263G>A (p.Glu1755Lys)

Gene: SPTB (spectrin beta, erythrocytic; minus strand). Cytogenetic location: 14q23.3.
Variant type: single nucleotide variant.
Coding change: c.5263G>A on transcript NM_001355436.2 (MANE Select); coding-DNA position 5263, G replaced by A.
Protein change: p.Glu1755Lys; replaces glutamic acid 1755 with lysine.
Molecular consequence: missense variant.
Genome position (GRCh38, 1-based): chr14:64,772,870, C>T on the plus strand (G>A on the coding strand, the complement: SPTB is on the minus strand). VCF-style: chr14-64772870-C-T. GRCh37 (hg19) VCF-style: chr14-65239588-C-T.
Other names: NM_000347.5:c.5263G>A; c.5263G>A, p.Glu1755Lys (NM_001024858.4, NM_001355437.2); short protein forms E1755K.
Identifiers: ClinVar variation 2225104 (VCV002225104.4), dbSNP rs374977591, ClinGen allele CA262689334.

ClinVar aggregate classification (germline): Uncertain significance. Review status: criteria provided, multiple submitters, no conflicts (2 of 4 stars). 2 submissions from 2 submitters: Uncertain significance (2). Last evaluated 2024-05-29.

Conditions:
Inborn genetic diseases. Identifiers: MedGen C0950123, MeSH D030342.

Allele frequency attached by ClinVar (database versions not stated): gnomAD exomes below 0.00001; gnomAD 0.00001; ESP Exome Variant Server 0.00008.
gnomAD v4.1: 2 of 1,611,162 alleles (0.00012%); highest among the groups gnomAD compares: East Asian, 0.0022%; no homozygotes.

Submissions (2):

Labcorp Genetics (formerly Invitae), Labcorp
Classification: Uncertain significance. Last evaluated: 2024-05-29. Review status: criteria provided, single submitter. Criteria: Invitae Variant Classification Sherloc (09022015). Collection method: clinical testing. Allele origin: germline.
Comment: This sequence change replaces glutamic acid, which is acidic and polar, with lysine, which is basic and polar, at codon 1755 of the SPTB protein (p.Glu1755Lys). This variant is not present in population databases (gnomAD no frequency). This variant has not been reported in the literature in individuals affected with SPTB-related conditions. ClinVar contains an entry for this variant (Variation ID: 2225104). An algorithm developed to predict the effect of missense changes on protein structure and function (PolyPhen-2) suggests that this variant is likely to be disruptive. In summary, the available evidence is currently insufficient to determine the role of this variant in disease. Therefore, it has been classified as a Variant of Uncertain Significance.

Ambry Genetics
Classification: Uncertain significance for Inborn genetic diseases. Last evaluated: 2022-01-05. Review status: criteria provided, single submitter. Criteria: Ambry Variant Classification Scheme 2023. Collection method: clinical testing. Allele origin: germline.